The following is an entry in ClinVar:

NM_007272.3(CTRC):c.368C>T (p.Ala123Val)

Gene: CTRC (chymotrypsin C; plus strand). Cytogenetic location: 1p36.21.
Variant type: single nucleotide variant.
Coding change: c.368C>T on transcript NM_007272.3 (MANE Select); coding-DNA position 368, C replaced by T.
Protein change: p.Ala123Val; replaces alanine 123 with valine.
Molecular consequence: missense variant.
Genome position (GRCh38, 1-based): chr1:15,443,430, C>T. VCF-style: chr1-15443430-C-T. GRCh37 (hg19) VCF-style: chr1-15769925-C-T.
Other names: short protein forms A123V.
Identifiers: ClinVar variation 2626257 (VCV002626257.2), dbSNP rs1484944780, ClinGen allele CA338565907.
Genomic context (GRCh38, chr1:15,443,430, plus strand): 5'-TGGGGCCAGGGCCCTCCTGCCCACTCACCCTCTCCACTTTGGATTCCAGCAATGATATTG[C>T]CCTCATCAAGCTTGCAGAGCATGTGGAGCTGAGTGACACCATCCAGGTGGCCTGCCTGCC-3'
Protein context (NP_009203.2, residues 113-133): WNALLLRNDI[Ala123Val]LIKLAEHVEL

ClinVar aggregate classification (germline): Uncertain significance (1 of 4 stars; one submission).

Conditions:
Hereditary pancreatitis (PCTT). Also called: PRSS1-Related Hereditary Pancreatitis; Hereditary chronic pancreatitis. Identifiers: Orphanet 676, MedGen C0238339, MONDO:0008185, OMIM 167800.

Allele frequency attached by ClinVar (database versions not stated): gnomAD exomes below 0.00001; TOPMed below 0.00001.

Submission:

Ambry Genetics
Classification: Uncertain significance for Hereditary pancreatitis. Last evaluated: 2023-07-26. Review status: criteria provided, single submitter. Criteria: Ambry Variant Classification Scheme 2023. Collection method: clinical testing. Allele origin: germline.
Comment: The p.A123V variant (also known as c.368C>T), located in coding exon 5 of the CTRC gene, results from a C to T substitution at nucleotide position 368. The alanine at codon 123 is replaced by valine, an amino acid with similar properties. This amino acid position is conserved. In addition, this alteration is predicted to be deleterious by in silico analysis. Since supporting evidence is limited at this time, the clinical significance of this alteration remains unclear.